The following is an entry in ClinVar:

NM_015338.6(ASXL1):c.1409C>T (p.Ser470Phe)

Gene: ASXL1 (ASXL transcriptional regulator 1; plus strand). Cytogenetic location: 20q11.21.
Variant type: single nucleotide variant.
Coding change: c.1409C>T on transcript NM_015338.6 (MANE Select); coding-DNA position 1409, C replaced by T.
Protein change: p.Ser470Phe; replaces serine 470 with phenylalanine.
Molecular consequence: missense variant.
Genome position (GRCh38, 1-based): chr20:32,433,607, C>T. VCF-style: chr20-32433607-C-T. GRCh37 (hg19) VCF-style: chr20-31021410-C-T.
Other names: c.1226C>T, p.Ser409Phe (NM_001363734.1); short protein forms S409F, S470F.
Identifiers: ClinVar variation 4864235 (VCV004864235.1).
Genomic context (GRCh38, chr20:32,433,607, plus strand): 5'-AGGATGGGGAGGCTAAGACTGACCCAGCAGGGCTGAGCAGTCCCCATCTGCCAGGCACAT[C>T]CTCTGCAGCACCCGACCTGGAGGGTCCCGAATTCCCAGTTGAGTCTGTGGCTTCTCGGAT-3'
Protein context (NP_056153.2, residues 460-480): GLSSPHLPGT[Ser470Phe]SAAPDLEGPE

ClinVar aggregate classification (germline): Uncertain significance (1 of 4 stars; one submission).

Conditions:
Inborn genetic diseases. Identifiers: MedGen C0950123, MeSH D030342.

Submission:

Ambry Genetics
Classification: Uncertain significance for Inborn genetic diseases. Last evaluated: 2026-04-12. Review status: criteria provided, single submitter. Criteria: Ambry Variant Classification Scheme 2023. Collection method: clinical testing. Allele origin: germline.
Comment: The p.S470F variant (also known as c.1409C>T), located in coding exon 12 of the ASXL1 gene, results from a C to T substitution at nucleotide position 1409. The serine at codon 470 is replaced by phenylalanine, an amino acid with highly dissimilar properties. This amino acid position is conserved. In addition, this alteration is predicted to be tolerated by in silico analysis. Based on the available evidence, the clinical significance of this variant remains unclear.